The following is an entry in ClinVar:

NM_004006.3(DMD):c.1537A>G (p.Met513Val)

Gene: DMD (dystrophin; minus strand). Cytogenetic location: Xp21.1.
Variant type: single nucleotide variant.
Coding change: c.1537A>G on transcript NM_004006.3 (MANE Select); coding-DNA position 1537, A replaced by G.
Protein change: p.Met513Val; replaces methionine 513 with valine.
Molecular consequence: missense variant.
Genome position (GRCh38, 1-based): chrX:32,595,822, T>C on the plus strand (A>G on the coding strand, the complement: DMD is on the minus strand). VCF-style: chrX-32595822-T-C. GRCh37 (hg19) VCF-style: chrX-32613939-T-C.
Other names: c.1513A>G, p.Met505Val (NM_000109.4); c.1525A>G, p.Met509Val (NM_004009.3); c.1168A>G, p.Met390Val (NM_004010.3); short protein forms M513V, M390V, M505V, M509V.
Identifiers: ClinVar variation 455864 (VCV000455864.8), dbSNP rs368326458, ClinGen allele CA10379823.

ClinVar aggregate classification (germline): Uncertain significance. Review status: criteria provided, multiple submitters, no conflicts (2 of 4 stars). 3 submissions from 3 submitters: Uncertain significance (2). 1 of the submissions does not count toward it. Last evaluated 2023-02-16.

Conditions:
Becker muscular dystrophy (BMD). Also called: MUSCULAR DYSTROPHY, PSEUDOHYPERTROPHIC PROGRESSIVE, BECKER TYPE; Becker Muscular Dystrophy (BMD). Identifiers: Orphanet 98895, MedGen C0917713, MONDO:0010311, OMIM 300376.
Cardiomyopathy (CMYO). Also called: Cardiomyopathies. Identifiers: Orphanet 167848, MedGen C0878544, MONDO:0004994, HP:0001638. Inheritance: Various modes of inheritance.
Duchenne muscular dystrophy (DMD). Also called: MUSCULAR DYSTROPHY, PSEUDOHYPERTROPHIC PROGRESSIVE, DUCHENNE TYPE; Duchenne Muscular Dystrophy (DMD). Identifiers: Orphanet 98896, MedGen C0013264, MONDO:0010679, OMIM 310200.
Dystrophin deficiency.
Cardiovascular phenotype. Identifiers: MedGen CN230736.

Allele frequency attached by ClinVar (database versions not stated): gnomAD below 0.00001; gnomAD exomes below 0.00001; TOPMed below 0.00001; ESP Exome Variant Server 0.00009.

Submissions (3):

Labcorp Genetics (formerly Invitae), Labcorp
Classification: Uncertain significance for Duchenne muscular dystrophy. Last evaluated: 2023-02-16. Review status: criteria provided, single submitter. Criteria: Invitae Variant Classification Sherloc (09022015). Collection method: clinical testing. Allele origin: germline.
Comment: This sequence change replaces methionine, which is neutral and non-polar, with valine, which is neutral and non-polar, at codon 513 of the DMD protein (p.Met513Val). This variant is present in population databases (rs368326458, gnomAD 0.008%). This variant has not been reported in the literature in individuals affected with DMD-related conditions. ClinVar contains an entry for this variant (Variation ID: 455864). Advanced modeling of protein sequence and biophysical properties (such as structural, functional, and spatial information, amino acid conservation, physicochemical variation, residue mobility, and thermodynamic stability) performed at Invitae indicates that this missense variant is not expected to disrupt DMD protein function. In summary, the available evidence is currently insufficient to determine the role of this variant in disease. Therefore, it has been classified as a Variant of Uncertain Significance.

Ambry Genetics
Classification: Uncertain significance for Cardiovascular phenotype. Last evaluated: 2021-06-07. Review status: criteria provided, single submitter. Criteria: Ambry Variant Classification Scheme 2023. Collection method: clinical testing. Allele origin: germline.
Comment: The p.M513V variant (also known as c.1537A>G), located in coding exon 13 of the DMD gene, results from an A to G substitution at nucleotide position 1537. The methionine at codon 513 is replaced by valine, an amino acid with highly similar properties. Based on data from gnomAD, the G allele has an overall frequency of 0.0005% (1/183249) total alleles studied, with no hemizygotes observed. The highest observed frequency was 0.007% (1/13153) of African/African-American alleles. This amino acid position is highly conserved in available vertebrate species. In addition, the in silico prediction for this alteration is inconclusive. Since supporting evidence is limited at this time, the clinical significance of this alteration remains unclear.

Natera, Inc.
Classification: Uncertain significance for Becker muscular dystrophy; Cardiomyopathy; Duchenne muscular dystrophy; Dystrophin deficiency. Last evaluated: 2018-09-29. Review status: no assertion criteria provided. Collection method: clinical testing. Allele origin: germline. Not counted in ClinVar's aggregate classification.